The following is an entry in ClinVar:

NM_001012659.2(ARGFX):c.202C>T (p.Arg68Ter)

Gene: ARGFX (arginine-fifty homeobox; plus strand). Cytogenetic location: 3q13.33.
Variant type: single nucleotide variant.
Coding change: c.202C>T on transcript NM_001012659.2 (MANE Select); coding-DNA position 202, C replaced by T.
Protein change: p.Arg68Ter; replaces arginine 68 with a stop codon.
Molecular consequence: nonsense.
Genome position (GRCh38, 1-based): chr3:121,576,882, C>T. VCF-style: chr3-121576882-C-T. GRCh37 (hg19) VCF-style: chr3-121295729-C-T.
Other names: short protein forms R68*.
Identifiers: ClinVar variation 5040798 (VCV005040798.1).

ClinVar aggregate classification (germline): Likely benign (1 of 4 stars; one submission).

Submission:

CeGaT Center for Human Genetics Tuebingen
Classification: Likely benign. Last evaluated: 2026-09-01. Review status: criteria provided, single submitter. Criteria: CeGaT Center For Human Genetics Tuebingen Variant Classification Criteria Version 2. Collection method: clinical testing. Allele origin: germline. Affected: yes. Observed: 1 variant allele.
Comment: ARGFX: BS2